The following is an entry in ClinVar:

ClinVar aggregate classification (germline): Benign. Review status: criteria provided, multiple submitters, no conflicts (2 of 4 stars). 8 submissions from 8 submitters: Benign (8). Last evaluated 2026-02-04.

Conditions:
Renal tubular dysgenesis. Also called: Renotubular dysgenesis. Identifiers: Orphanet 3033, MedGen C0266313, MONDO:0017609, HP:0008660.

Allele frequency attached by ClinVar (database versions not stated): ESP Exome Variant Server 0.44326; TOPMed 0.46118; gnomAD 0.46564; gnomAD exomes 0.47992 and 0.50108; ExAC 0.49989; 1000 Genomes Project 30x 0.52826; 1000 Genomes Project 0.52955.

Submissions (8):

Labcorp Genetics (formerly Invitae), Labcorp
Classification: Benign. Last evaluated: 2026-02-04. Review status: criteria provided, single submitter. Criteria: Invitae Variant Classification Sherloc (09022015). Collection method: clinical testing. Allele origin: germline.

Blueprint Genetics
Classification: Benign. Last evaluated: 2024-11-28. Review status: criteria provided, single submitter. Criteria: ACMG Guidelines, 2015. Collection method: clinical testing. Allele origin: germline.

Mayo Clinic Laboratories, Mayo Clinic
Classification: Benign. Last evaluated: 2022-03-09. Review status: criteria provided, single submitter. Criteria: ACMG Guidelines, 2015. Collection method: clinical testing. Allele origin: germline. Observed: 48 variant alleles.

Genome-Nilou Lab
Classification: Benign for Renal tubular dysgenesis of genetic origin. Last evaluated: 2021-07-14. Review status: criteria provided, single submitter. Criteria: ACMG Guidelines, 2015. Collection method: clinical testing. Allele origin: germline. Affected: no.

GeneDx
Classification: Benign. Last evaluated: 2018-11-10. Review status: criteria provided, single submitter. Criteria: GeneDx Variant Classification Process June 2021. Collection method: clinical testing. Allele origin: germline. Affected: yes.

Illumina Laboratory Services, Illumina
Classification: Benign for Renal tubular dysgenesis of genetic origin. Last evaluated: 2018-01-13. Review status: criteria provided, single submitter. Criteria: ICSL Variant Classification Criteria 13 December 2019. Collection method: clinical testing. Allele origin: germline.
Comment: This variant was observed in the ICSL laboratory as part of a predisposition screen in an ostensibly healthy population. It had not been previously curated by ICSL or reported in the Human Gene Mutation Database (HGMD: prior to June 1st, 2018), and was therefore a candidate for classification through an automated scoring system. Utilizing variant allele frequency, disease prevalence and penetrance estimates, and inheritance mode, an automated score was calculated to assess if this variant is too frequent to cause the disease. Based on the score and internal cut-off values, a variant classified as benign is not then subjected to further curation. The score for this variant resulted in a classification of benign for this disease.

Breakthrough Genomics
Classification: Benign. Review status: criteria provided, single submitter. Criteria: ACMG Guidelines, 2015. Collection method: not provided. Allele origin: germline. Inheritance: Autosomal recessive inheritance. Affected: yes.

PreventionGenetics, part of Exact Sciences
Classification: Benign. Review status: criteria provided, single submitter. Criteria: ACMG Guidelines, 2015. Collection method: clinical testing. Allele origin: germline.

NM_000789.4(ACE):c.2193A>G (p.Ala731=)

Gene: ACE (angiotensin I converting enzyme; plus strand). Cytogenetic location: 17q23.3.
Variant type: single nucleotide variant.
Coding change: c.2193A>G on transcript NM_000789.4 (MANE Select); coding-DNA position 2193, A replaced by G.
Protein change: p.Ala731=; no amino-acid change (alanine 731 retained).
Molecular consequence: synonymous variant.
Genome position (GRCh38, 1-based): chr17:63,486,691, A>G. VCF-style: chr17-63486691-A-G. GRCh37 (hg19) VCF-style: chr17-61564052-A-G.
Other names: p.Ala731=; c.471A>G, p.Ala157= (NM_001178057.2, NM_152830.3).
Identifiers: ClinVar variation 256800 (VCV000256800.21), dbSNP rs4331, ClinGen allele CA8699958.